The following is an entry in ClinVar:

NM_000222.3(KIT):c.*217G>A

Gene: KIT (KIT proto-oncogene, receptor tyrosine kinase; plus strand). Cytogenetic location: 4q12.
Variant type: single nucleotide variant.
Coding change: c.*217G>A on transcript NM_000222.3 (MANE Select); 217 bases downstream of the stop codon, G replaced by A.
Molecular consequence: 3 prime UTR variant.
Genome position (GRCh38, 1-based): chr4:54,738,774, G>A. VCF-style: chr4-54738774-G-A. GRCh37 (hg19) VCF-style: chr4-55604940-G-A.
Other names: c.*217G>A (NM_001093772.2, NM_001385284.1, NM_001385285.1 and 4 more transcripts).
Identifiers: ClinVar variation 348959 (VCV000348959.16), dbSNP rs17084733, ClinGen allele CA10621234.
Genomic context (GRCh38, chr4:54,738,774, plus strand): 5'-TTTGTCATCAGCCACCATCCTATTGCAAAGGTTCCAACTGTATATATTCCCAATAGCAAC[G>A]TAGCTTCTACCATGAACAGAAAACATTCTGATTTGGAAAAAGAGAGGGAGGTATGGACTG-3'

ClinVar aggregate classification (germline): Benign/Likely benign. Review status: criteria provided, multiple submitters, no conflicts (2 of 4 stars). 4 submissions from 4 submitters: Benign (2); Likely benign (2). Last evaluated 2026-01-26.

Conditions:
Gastrointestinal stromal tumor. Also called: Gastrointestinal stromal tumor, somatic; Gastrointestinal stroma tumor. Identifiers: Orphanet 44890, MedGen C0238198, MeSH D046152, MONDO:0011719, OMIM 606764, HP:0100723.

Allele frequency attached by ClinVar (database versions not stated): gnomAD exomes 0.09009; 1000 Genomes Project 0.09605; 1000 Genomes Project 30x 0.09853; gnomAD 0.10115 and 0.10193; TOPMed 0.10587.
gnomAD v4.1: 58,823 of 632,120 alleles (9.3%); highest among the groups gnomAD compares: African/African-American, 14%; 3,108 homozygotes.

Submissions (4):

Labcorp Genetics (formerly Invitae), Labcorp
Classification: Benign for Gastrointestinal stromal tumor. Last evaluated: 2026-01-26. Review status: criteria provided, single submitter. Criteria: Invitae Variant Classification Sherloc (09022015). Collection method: clinical testing. Allele origin: germline.

GeneDx
Classification: Benign. Last evaluated: 2018-06-22. Review status: criteria provided, single submitter. Criteria: GeneDx Variant Classification Process June 2021. Collection method: clinical testing. Allele origin: germline. Affected: yes.
Comment: This variant is associated with the following publications: (PMID: 30983504, 21119596, 16365291)

Illumina Laboratory Services, Illumina
Classification: Likely benign for Gastrointestinal stromal tumor. Last evaluated: 2017-04-27. Review status: criteria provided, single submitter. Criteria: ICSL Variant Classification Criteria 13 December 2019. Collection method: clinical testing. Allele origin: germline.
Comment: This variant was observed as part of a predisposition screen in an ostensibly healthy population. A literature search was performed for the gene, cDNA change, and amino acid change (where applicable). Publications were found based on this search. The evidence from the literature, in combination with allele frequency data from public databases where available, was sufficient to determine this variant is unlikely to cause disease. Therefore, this variant is classified as likely benign.

Breakthrough Genomics
Classification: Likely benign. Review status: criteria provided, single submitter. Criteria: ACMG Guidelines, 2015. Collection method: not provided. Allele origin: germline. Inheritance: Autosomal dominant inheritance. Affected: yes.

Literature cited by the submitters: PubMed 21119596 (cited by Illumina Laboratory Services, Illumina).